The following is an entry in ClinVar:

ClinVar aggregate classification (germline): Uncertain significance. Review status: criteria provided, multiple submitters, no conflicts (2 of 4 stars). 2 submissions from 2 submitters: Uncertain significance (2). Last evaluated 2025-05-17.

Conditions:
Hereditary cancer-predisposing syndrome. Also called: Neoplastic Syndromes, Hereditary; Tumor predisposition; Hereditary Cancer Syndrome; Hereditary neoplastic syndrome. Identifiers: Orphanet 140162, MedGen C0027672, MeSH D009386, MONDO:0015356.

Allele frequency attached by ClinVar (database versions not stated): ExAC 0.00001.
gnomAD v4.1: 1 of 1,613,960 alleles (0.000062%); highest among the groups gnomAD compares: South Asian, 0.0011%; no homozygotes.

Submissions (2):

Ambry Genetics
Classification: Uncertain significance for Hereditary cancer-predisposing syndrome. Last evaluated: 2025-05-17. Review status: criteria provided, single submitter. Criteria: Ambry Variant Classification Scheme 2023. Collection method: clinical testing. Allele origin: germline.

Labcorp Genetics (formerly Invitae), Labcorp
Classification: Uncertain significance for Hereditary cancer-predisposing syndrome. Last evaluated: 2022-07-03. Review status: criteria provided, single submitter. Criteria: Invitae Variant Classification Sherloc (09022015). Collection method: clinical testing. Allele origin: germline.
Comment: In summary, the available evidence is currently insufficient to determine the role of this variant in disease. Therefore, it has been classified as a Variant of Uncertain Significance. Algorithms developed to predict the effect of missense changes on protein structure and function output the following: SIFT: "Tolerated"; PolyPhen-2: "Benign"; Align-GVGD: "Class C0". The threonine amino acid residue is found in multiple mammalian species, which suggests that this missense change does not adversely affect protein function. This variant has not been reported in the literature in individuals affected with RAD50-related conditions. This variant is present in population databases (rs752824477, gnomAD 0.003%). This sequence change replaces alanine, which is neutral and non-polar, with threonine, which is neutral and polar, at codon 692 of the RAD50 protein (p.Ala692Thr).

NM_005732.4(RAD50):c.2074G>A (p.Ala692Thr)

Gene: RAD50 (RAD50 double strand break repair protein; plus strand). Cytogenetic location: 5q31.1.
Variant type: single nucleotide variant.
Coding change: c.2074G>A on transcript NM_005732.4 (MANE Select); coding-DNA position 2074, G replaced by A.
Protein change: p.Ala692Thr; replaces alanine 692 with threonine.
Molecular consequence: missense variant.
Genome position (GRCh38, 1-based): chr5:132,595,677, G>A. VCF-style: chr5-132595677-G-A. GRCh37 (hg19) VCF-style: chr5-131931369-G-A.
Other names: short protein forms A692T.
Identifiers: ClinVar variation 1785443 (VCV001785443.8), dbSNP rs752824477, ClinGen allele CA3405324.
Genomic context (GRCh38, chr5:132,595,677, plus strand): 5'-CAGCTAACAGACGAAAACCAGTCATGTTGCCCCGTTTGTCAGAGAGTTTTTCAGACAGAG[G>A]CTGAGTTACAAGAAGTCATCAGTGATTTGCAGTCTAAACTGCGACTTGCTCCAGATAAAC-3'
Protein context (NP_005723.2, residues 682-702): PVCQRVFQTE[Ala692Thr]ELQEVISDLQ